The following is an entry in ClinVar:

ClinVar aggregate classification (germline): Benign/Likely benign. Review status: criteria provided, multiple submitters, no conflicts (2 of 4 stars). 4 submissions from 4 submitters: Benign (1); Likely benign (3). Last evaluated 2025-06-11.

Conditions:
Prostate cancer, hereditary, 9 (HPC9). Identifiers: Orphanet 1331, MedGen C1970250, MONDO:0012597, OMIM 610997.
Hereditary cancer-predisposing syndrome. Also called: Hereditary neoplastic syndrome; Hereditary Cancer Syndrome; Tumor predisposition; Neoplastic Syndromes, Hereditary. Identifiers: Orphanet 140162, MedGen C0027672, MeSH D009386, MONDO:0015356.

Allele frequency attached by ClinVar (database versions not stated): gnomAD exomes below 0.00001 and 0.00001; TOPMed below 0.00001; ExAC 0.00001.
gnomAD v4.1: 6 of 1,614,188 alleles (0.00037%); highest among the groups gnomAD compares: Non-Finnish European, 0.00051%; no homozygotes.

Submissions (4):

Labcorp Genetics (formerly Invitae), Labcorp
Classification: Likely benign. Last evaluated: 2025-06-11. Review status: criteria provided, single submitter. Criteria: Invitae Variant Classification Sherloc (09022015). Collection method: clinical testing. Allele origin: germline.

Department of Pathology and Laboratory Medicine, Sinai Health System
Classification: Likely benign for Prostate cancer, hereditary, 9. Last evaluated: 2024-11-29. Review status: criteria provided, single submitter. Criteria: ACMG Guidelines, 2015. Collection method: clinical testing. Allele origin: germline.

Myriad Genetics, Inc.
Classification: Benign for Prostate cancer, hereditary, 9. Last evaluated: 2024-10-30. Review status: criteria provided, single submitter. Criteria: Myriad Autosomal Dominant, Autosomal Recessive and X-Linked Classification Criteria (2023). Collection method: clinical testing. Allele origin: unknown.
Comment: This variant is considered benign. This variant is a silent/synonymous amino acid change and it is not expected to impact splicing.

Ambry Genetics
Classification: Likely benign for Hereditary cancer-predisposing syndrome. Last evaluated: 2017-10-27. Review status: criteria provided, single submitter. Criteria: Ambry Variant Classification Scheme 2023. Collection method: clinical testing. Allele origin: germline.

NM_006361.6(HOXB13):c.417T>C (p.Pro139=)

Gene: HOXB13 (homeobox B13; minus strand). Cytogenetic location: 17q21.32.
Variant type: single nucleotide variant.
Coding change: c.417T>C on transcript NM_006361.6 (MANE Select); coding-DNA position 417, T replaced by C.
Protein change: p.Pro139=; no amino-acid change (proline 139 retained).
Molecular consequence: synonymous variant.
Genome position (GRCh38, 1-based): chr17:48,728,177, A>G on the plus strand (T>C on the coding strand, the complement: HOXB13 is on the minus strand). VCF-style: chr17-48728177-A-G. GRCh37 (hg19) VCF-style: chr17-46805539-A-G.
Identifiers: ClinVar variation 1155739 (VCV001155739.13), dbSNP rs758708152, ClinGen allele CA8633988.